The following is an entry in ClinVar:

ClinVar aggregate classification (germline): Uncertain significance. Review status: criteria provided, multiple submitters, no conflicts (2 of 4 stars). 3 submissions from 3 submitters: Uncertain significance (3). Last evaluated 2025-08-10.

Conditions:
Inborn genetic diseases. Identifiers: MedGen C0950123, MeSH D030342.
Fanconi anemia (FA). Also called: Fanconi's anemia. Identifiers: Orphanet 84, MedGen C0015625, MeSH D005199, MONDO:0019391.
Fanconi anemia complementation group A (FANCA). Also called: FANCA-Related Fanconi Anemia; Fanconi anemia, group A. Identifiers: Orphanet 84, MedGen C3469521, MONDO:0009215, OMIM 227650.

gnomAD v4.1: 1 of 1,613,988 alleles (0.000062%); highest among the groups gnomAD compares: South Asian, 0.0011%; no homozygotes.

Submissions (3):

Labcorp Genetics (formerly Invitae), Labcorp
Classification: Uncertain significance for Fanconi anemia. Last evaluated: 2025-08-10. Review status: criteria provided, single submitter. Criteria: Invitae Variant Classification Sherloc (09022015). Collection method: clinical testing. Allele origin: germline.
Comment: This sequence change replaces histidine, which is basic and polar, with aspartic acid, which is acidic and polar, at codon 582 of the FANCA protein (p.His582Asp). This variant is not present in population databases (gnomAD no frequency). This variant has not been reported in the literature in individuals affected with FANCA-related conditions. ClinVar contains an entry for this variant (Variation ID: 3581531). Invitae Evidence Modeling of protein sequence and biophysical properties (such as structural, functional, and spatial information, amino acid conservation, physicochemical variation, residue mobility, and thermodynamic stability) has been performed for this missense variant. However, the output from this modeling did not meet the statistical confidence thresholds required to predict the impact of this variant on FANCA protein function. In summary, the available evidence is currently insufficient to determine the role of this variant in disease. Therefore, it has been classified as a Variant of Uncertain Significance.

Ambry Genetics
Classification: Uncertain significance for Inborn genetic diseases. Last evaluated: 2025-03-22. Review status: criteria provided, single submitter. Criteria: Ambry Variant Classification Scheme 2023. Collection method: clinical testing. Allele origin: germline.
Comment: The p.H582D variant (also known as c.1744C>G), located in coding exon 19 of the FANCA gene, results from a C to G substitution at nucleotide position 1744. The histidine at codon 582 is replaced by aspartic acid, an amino acid with similar properties. This amino acid position is conserved. In addition, the in silico prediction for this alteration is inconclusive. Based on the available evidence, the clinical significance of this variant remains unclear.

Fulgent Genetics
Classification: Uncertain significance for Fanconi anemia complementation group A. Last evaluated: 2024-02-21. Review status: criteria provided, single submitter. Criteria: ACMG Guidelines, 2015. Collection method: clinical testing. Allele origin: germline.

NM_000135.4(FANCA):c.1744C>G (p.His582Asp)

Gene: FANCA (FA complementation group A; minus strand). Cytogenetic location: 16q24.3.
Variant type: single nucleotide variant.
Coding change: c.1744C>G on transcript NM_000135.4 (MANE Select); coding-DNA position 1744, C replaced by G.
Protein change: p.His582Asp; replaces histidine 582 with aspartic acid.
Molecular consequence: missense variant.
Genome position (GRCh38, 1-based): chr16:89,778,975, G>C on the plus strand (C>G on the coding strand, the complement: FANCA is on the minus strand). VCF-style: chr16-89778975-G-C. GRCh37 (hg19) VCF-style: chr16-89845383-G-C.
Other names: c.1744C>G, p.His582Asp (NM_001286167.3); short protein forms H582D.
Identifiers: ClinVar variation 3581531 (VCV003581531.3).